The following is an entry in ClinVar:

NM_001374736.1(DST):c.2183G>A (p.Ser728Asn)

Gene: DST (dystonin; minus strand). Cytogenetic location: 6p12.1.
Variant type: single nucleotide variant.
Coding change: c.2183G>A on transcript NM_001374736.1 (MANE Select); coding-DNA position 2183, G replaced by A.
Protein change: p.Ser728Asn; replaces serine 728 with asparagine.
Molecular consequence: missense variant.
Genome position (GRCh38, 1-based): chr6:56,640,450, C>T on the plus strand (G>A on the coding strand, the complement: DST is on the minus strand). VCF-style: chr6-56640450-C-T. GRCh37 (hg19) VCF-style: chr6-56505248-C-T.
Other names: c.2084G>A, p.Ser695Asn (NM_001144769.5); c.1670G>A, p.Ser557Asn (NM_001144770.2); c.2183G>A, p.Ser728Asn (NM_001374722.1); c.1550G>A, p.Ser517Asn (NM_001374729.1, NM_001374730.1, NM_001386100.1 and 1 more transcripts); c.2210G>A, p.Ser737Asn (NM_001374734.1); c.572G>A, p.Ser191Asn (NM_001723.7, NM_015548.5); short protein forms S695N, S737N, S191N, S557N, S517N, S728N.
Identifiers: ClinVar variation 854064 (VCV000854064.8), dbSNP rs1337252221, ClinGen allele CA364578866.

ClinVar aggregate classification (germline): Uncertain significance (1 of 4 stars; one submission).

Conditions:
Hereditary sensory and autonomic neuropathy type 6. Also called: HSAN VI; Neuropathy, hereditary sensory and autonomic, type VI. Identifiers: Orphanet 314381, MedGen C3539003, MONDO:0013839, OMIM 614653.
Epidermolysis bullosa simplex 3, localized or generalized intermediate, with BP230 deficiency (EBS3). Also called: Epidermolysis bullosa simplex due to BP230 deficiency; Epidermolysis bullosa simplex, autosomal recessive 2. Identifiers: Orphanet 412181, MedGen C3809470, MONDO:0014180, OMIM 615425.

gnomAD v4.1: 1 of 1,614,184 alleles (0.000062%); highest among the groups gnomAD compares: Admixed American, 0.0017%; no homozygotes.

Submission:

Labcorp Genetics (formerly Invitae), Labcorp
Classification: Uncertain significance for Epidermolysis bullosa simplex 3, localized or generalized intermediate, with BP230 deficiency; Hereditary sensory and autonomic neuropathy type 6. Last evaluated: 2026-01-29. Review status: criteria provided, single submitter. Criteria: Invitae Variant Classification Sherloc (09022015). Collection method: clinical testing. Allele origin: germline.
Comment: This sequence change replaces serine, which is neutral and polar, with asparagine, which is neutral and polar, at codon 191 of the DST protein (p.Ser191Asn). This variant is not present in population databases (gnomAD no frequency). This variant has not been reported in the literature in individuals affected with DST-related conditions. ClinVar contains an entry for this variant (Variation ID: 854064). An algorithm developed to predict the effect of missense changes on protein structure and function outputs the following: PolyPhen-2: "Benign". The asparagine amino acid residue is found in multiple mammalian species, which suggests that this missense change does not adversely affect protein function. In summary, the available evidence is currently insufficient to determine the role of this variant in disease. Therefore, it has been classified as a Variant of Uncertain Significance.